The following is an entry in ClinVar:

ClinVar aggregate classification (germline): Uncertain significance (1 of 4 stars; one submission).

Submission:

GeneDx
Classification: Uncertain significance. Last evaluated: 2025-07-17. Review status: criteria provided, single submitter. Criteria: GeneDx Variant Classification Process June 2021. Collection method: clinical testing. Allele origin: germline. Affected: yes.
Comment: Not observed at significant frequency in large population cohorts (gnomAD); In silico analysis suggests that this missense variant does not alter protein structure/function; Has not been previously published as pathogenic or benign to our knowledge; Located in one of the three hot-spot regions of the RYR2 gene, where the majority of pathogenic missense variants occur (PMID: 19926015); This variant is associated with the following publications: (PMID: 19926015)

NM_001035.3(RYR2):c.12145C>T (p.His4049Tyr)

Gene: RYR2 (ryanodine receptor 2; plus strand). Cytogenetic location: 1q43.
Variant type: single nucleotide variant.
Coding change: c.12145C>T on transcript NM_001035.3 (MANE Select); coding-DNA position 12145, C replaced by T.
Protein change: p.His4049Tyr; replaces histidine 4049 with tyrosine.
Molecular consequence: missense variant.
Genome position (GRCh38, 1-based): chr1:237,783,857, C>T. VCF-style: chr1-237783857-C-T. GRCh37 (hg19) VCF-style: chr1-237947157-C-T.
Other names: short protein forms H4049Y.
Identifiers: ClinVar variation 4686303 (VCV004686303.1).